The following is an entry in ClinVar:

ClinVar aggregate classification (germline): Uncertain significance. Review status: criteria provided, multiple submitters, no conflicts (2 of 4 stars). 3 submissions from 3 submitters: Uncertain significance (3). Last evaluated 2024-03-06.

Conditions:
Ehlers-Danlos syndrome, type 4 (EDSVASC). Also called: Ehlers-Danlos syndrome vascular type; Ehlers Danlos syndrome, ecchymotic type; Ehlers Danlos syndrome, arterial type; Ehlers Danlos syndrome, Sack-Barabas type; Ehlers-Danlos Syndrome Type IV. Identifiers: Orphanet 286, MedGen C0268338, MONDO:0017314, OMIM 130050.
Familial thoracic aortic aneurysm and aortic dissection (TAAD). Also called: Thoracic aortic aneurysms and dissections. Identifiers: Orphanet 91387, MedGen C4707243, MONDO:0019625.

Allele frequency attached by ClinVar (database versions not stated): gnomAD exomes below 0.00001 and 0.00001; TOPMed below 0.00001; ExAC 0.00001; gnomAD 0.00001.
gnomAD v4.1: 4 of 1,613,498 alleles (0.00025%); highest among the groups gnomAD compares: Non-Finnish European, 0.00034%; no homozygotes.

Submissions (3):

Color Diagnostics, LLC DBA Color Health
Classification: Uncertain significance for Familial thoracic aortic aneurysm and aortic dissection. Last evaluated: 2024-03-06. Review status: criteria provided, single submitter. Criteria: ACMG Guidelines, 2015. Collection method: clinical testing. Allele origin: germline.
Comment: This missense variant replaces proline with serine at codon 470 of the COL3A1 protein. Computational prediction suggests that this variant may not impact protein structure and function (internally defined REVEL score threshold <= 0.5, PMID: 27666373). To our knowledge, functional studies have not been reported for this variant. This variant has not been reported in individuals affected with cardiovascular disorders in the literature. This variant has been identified in 1/251184 chromosomes in the general population by the Genome Aggregation Database (gnomAD). The available evidence is insufficient to determine the role of this variant in disease conclusively. Therefore, this variant is classified as a Variant of Uncertain Significance.

All of Us Research Program, National Institutes of Health
Classification: Uncertain significance for Ehlers-Danlos syndrome, type 4. Last evaluated: 2023-04-27. Review status: criteria provided, single submitter. Criteria: ACMG Guidelines, 2015. Collection method: clinical testing. Allele origin: germline. Inheritance: Autosomal dominant inheritance. Observed: 1 variant allele, 1 heterozygote.
Comment: This missense variant replaces proline with serine at codon 470 of the COL3A1 protein. Computational prediction suggests that this variant may not impact protein structure and function (internally defined REVEL score threshold <= 0.5, PMID: 27666373). To our knowledge, functional studies have not been reported for this variant. This variant has not been reported in individuals affected with cardiovascular disorders in the literature. This variant has been identified in 1/251184 chromosomes in the general population by the Genome Aggregation Database (gnomAD). The available evidence is insufficient to determine the role of this variant in disease conclusively. Therefore, this variant is classified as a Variant of Uncertain Significance.

This study involves interpretation of variants in research participants for the purpose of population health screening. Participant phenotype was not available at the time of variant classification. Additional details can be found in publication PMID: 35346344, PMCID: PMC8962531

GeneDx
Classification: Uncertain significance. Last evaluated: 2022-05-10. Review status: criteria provided, single submitter. Criteria: GeneDx Variant Classification Process June 2021. Collection method: clinical testing. Allele origin: germline. Affected: yes.
Comment: Not observed at significant frequency in large population cohorts (gnomAD); In silico analysis supports that this missense variant does not alter protein structure/function; Has not been previously published as pathogenic or benign to our knowledge; Occurs in the triple helical domain at the Y position in the canonical Gly-X-Y repeat; although this variant may have an effect on normal protein folding and function, missense substitution at the Y position is not a common mechanism of disease (HGMD)

NM_000090.4(COL3A1):c.1408C>T (p.Pro470Ser)

Gene: COL3A1 (collagen type III alpha 1 chain; plus strand). Cytogenetic location: 2q32.2.
Variant type: single nucleotide variant.
Coding change: c.1408C>T on transcript NM_000090.4 (MANE Select); coding-DNA position 1408, C replaced by T.
Protein change: p.Pro470Ser; replaces proline 470 with serine.
Molecular consequence: missense variant.
Genome position (GRCh38, 1-based): chr2:188,994,784, C>T. VCF-style: chr2-188994784-C-T. GRCh37 (hg19) VCF-style: chr2-189859510-C-T.
Other names: short protein forms P470S.
Identifiers: ClinVar variation 1331781 (VCV001331781.6), dbSNP rs748530632, ClinGen allele CA074276.
Genomic context (GRCh38, chr2:188,994,784, plus strand): 5'-GGTGAGGCTGGTATTCCAGGTGTTCCAGGAGCTAAAGGCGAAGATGGCAAGGATGGATCA[C>T]CTGGAGAACCTGGTGCAAATGGGCTTCCAGGAGCTGCAGGAGAAAGGGTACGTTTTCCAT-3'
Protein context (NP_000081.2, residues 460-480): AKGEDGKDGS[Pro470Ser]GEPGANGLPG